The following is an entry in ClinVar:

NM_001457.4(FLNB):c.4172_4173inv (p.Ala1391Val)

Gene: FLNB (filamin B; plus strand). Cytogenetic location: 3p14.3.
Variant type: Inversion.
Coding change: c.4172_4173inv on transcript NM_001457.4 (MANE Select).
Protein change: p.Ala1391Val; replaces alanine 1391 with valine.
Molecular consequence: missense variant.
Genome position: GRCh38 VCF-style: chr3-58126712-CA-TG. GRCh37 (hg19) VCF-style: chr3-58112439-CA-TG.
Other names: c.4172_4173delinsTG (NM_001457.3); c.4172_4173inv, p.Ala1391Val (NM_001164317.2, NM_001164318.2, NM_001164319.2); short protein forms A1391V.
Identifiers: ClinVar variation 591404 (VCV000591404.10), ClinGen allele CA891862801.

ClinVar aggregate classification (germline): Conflicting classifications of pathogenicity. Review status: criteria provided, conflicting classifications (1 of 4 stars). 4 submissions from 4 submitters: Uncertain significance (1); Likely benign (1). 2 of the submissions do not count toward it. Last evaluated 2026-07-20.

Conditions:
FLNB-related disorder. Also called: FLNB-related disorders; FLNB-related condition. Identifiers: MedGen CN381095.

Submissions (4):

GeneDx
Classification: Uncertain significance. Last evaluated: 2026-07-20. Review status: criteria provided, single submitter. Criteria: GeneDx Variant Classification Process June 2021. Collection method: clinical testing. Allele origin: germline.
Comment: In silico analysis suggests that this variant does not alter protein structure/function; Has not been previously published as pathogenic or benign to our knowledge

Labcorp Genetics (formerly Invitae), Labcorp
Classification: Likely benign. Last evaluated: 2025-12-17. Review status: criteria provided, single submitter. Criteria: Invitae Variant Classification Sherloc (09022015). Collection method: clinical testing. Allele origin: germline.

PreventionGenetics, part of Exact Sciences
Classification: Uncertain significance for FLNB-related condition. Last evaluated: 2023-11-10. Review status: no assertion criteria provided. Collection method: clinical testing. Allele origin: germline. Not counted in ClinVar's aggregate classification.
Comment: The FLNB c.4172_4173delinsTG variant is predicted to result in an in-frame deletion and insertion. To our knowledge, this variant has not been reported in the literature or in a large population database, indicating this variant is rare. At this time, the clinical significance of this variant is uncertain due to the absence of conclusive functional and genetic evidence.

Gharavi Laboratory, Columbia University
Classification: Uncertain significance. Last evaluated: 2018-09-16. Review status: no assertion criteria provided. Criteria: ACMG Guidelines, 2015. Collection method: research. Allele origin: germline. Affected: yes. Not counted in ClinVar's aggregate classification.